The following is an entry in ClinVar:

ClinVar aggregate classification (germline): Uncertain significance (1 of 4 stars; one submission).

Conditions:
DICER1-related tumor predisposition. Also called: DICER1-related pleuropulmonary blastoma cancer predisposition syndrome; DICER1 syndrome. Identifiers: Orphanet 284343, MedGen C3839822, MONDO:0100216.

Submission:

Labcorp Genetics (formerly Invitae), Labcorp
Classification: Uncertain significance for DICER1-related tumor predisposition. Last evaluated: 2025-12-24. Review status: criteria provided, single submitter. Criteria: Invitae Variant Classification Sherloc (09022015). Collection method: clinical testing. Allele origin: germline.
Comment: This sequence change replaces leucine, which is neutral and non-polar, with proline, which is neutral and non-polar, at codon 987 of the DICER1 protein (p.Leu987Pro). This variant is not present in population databases (gnomAD no frequency). This variant has not been reported in the literature in individuals affected with DICER1-related conditions. Invitae Evidence Modeling of protein sequence and biophysical properties (such as structural, functional, and spatial information, amino acid conservation, physicochemical variation, residue mobility, and thermodynamic stability) indicates that this missense variant is expected to disrupt DICER1 protein function with a positive predictive value of 95%. In summary, the available evidence is currently insufficient to determine the role of this variant in disease. Therefore, it has been classified as a Variant of Uncertain Significance.

NM_177438.3(DICER1):c.2960T>C (p.Leu987Pro)

Gene: DICER1 (dicer 1, ribonuclease III; minus strand). Cytogenetic location: 14q32.13.
Variant type: single nucleotide variant.
Coding change: c.2960T>C on transcript NM_177438.3 (MANE Select); coding-DNA position 2960, T replaced by C.
Protein change: p.Leu987Pro; replaces leucine 987 with proline.
Molecular consequence: missense variant. On other transcripts: non-coding transcript variant (6).
Genome position (GRCh38, 1-based): chr14:95,106,068, A>G on the plus strand (T>C on the coding strand, the complement: DICER1 is on the minus strand). VCF-style: chr14-95106068-A-G. GRCh37 (hg19) VCF-style: chr14-95572405-A-G.
Other names: c.2960T>C, p.Leu987Pro (NM_001195573.1, NM_001271282.3, NM_001291628.2 and 12 more transcripts); c.2678T>C, p.Leu893Pro (NM_001395686.1); c.2555T>C, p.Leu852Pro (NM_001395687.1, NM_001395688.1, NM_001395689.1 and 2 more transcripts); c.2393T>C, p.Leu798Pro (NM_001395691.1); c.1277T>C, p.Leu426Pro (NM_001395697.1); short protein forms L426P, L798P, L852P, L987P, L893P.
Identifiers: ClinVar variation 4746797 (VCV004746797.1).